The following is an entry in ClinVar:

NM_001042492.3(NF1):c.8209G>A (p.Ala2737Thr)

Gene: NF1 (neurofibromin 1; plus strand). Cytogenetic location: 17q11.2.
Variant type: single nucleotide variant.
Coding change: c.8209G>A on transcript NM_001042492.3 (MANE Select); coding-DNA position 8209, G replaced by A.
Protein change: p.Ala2737Thr; replaces alanine 2737 with threonine.
Molecular consequence: missense variant.
Genome position (GRCh38, 1-based): chr17:31,360,535, G>A. VCF-style: chr17-31360535-G-A. GRCh37 (hg19) VCF-style: chr17-29687553-G-A.
Other names: c.8146G>A, p.Ala2716Thr (NM_000267.4); short protein forms A2716T, A2737T.
Identifiers: ClinVar variation 1056214 (VCV001056214.7), dbSNP rs2151587791, ClinGen allele CA399204529.

ClinVar aggregate classification (germline): Uncertain significance. Review status: criteria provided, multiple submitters, no conflicts (2 of 4 stars). 2 submissions from 2 submitters: Uncertain significance (2). Last evaluated 2024-04-22.

Conditions:
Cardiovascular phenotype. Identifiers: MedGen CN230736.
Hereditary cancer-predisposing syndrome. Also called: Hereditary Cancer Syndrome; Tumor predisposition; Hereditary neoplastic syndrome; Neoplastic Syndromes, Hereditary. Identifiers: Orphanet 140162, MedGen C0027672, MeSH D009386, MONDO:0015356.
Neurofibromatosis, type 1 (NF1). Also called: Peripheral type neurofibromatosis; Neurofibromatosis, type I; VON RECKLINGHAUSEN DISEASE; NEUROFIBROMATOSIS, TYPE I, SOMATIC. Identifiers: Orphanet 636, MedGen C0027831, MONDO:0018975, OMIM 162200. Disease mechanism: loss of function.

gnomAD v4.1: 1 of 1,614,070 alleles (0.000062%); highest among the groups gnomAD compares: Non-Finnish European, 0.000085%; no homozygotes.

Submissions (2):

Labcorp Genetics (formerly Invitae), Labcorp
Classification: Uncertain significance for Neurofibromatosis, type 1. Last evaluated: 2024-04-22. Review status: criteria provided, single submitter. Criteria: Invitae Variant Classification Sherloc (09022015). Collection method: clinical testing. Allele origin: germline.
Comment: This sequence change replaces alanine, which is neutral and non-polar, with threonine, which is neutral and polar, at codon 2716 of the NF1 protein (p.Ala2716Thr). This variant is not present in population databases (gnomAD no frequency). This variant has not been reported in the literature in individuals affected with NF1-related conditions. ClinVar contains an entry for this variant (Variation ID: 1056214). Advanced modeling of protein sequence and biophysical properties (such as structural, functional, and spatial information, amino acid conservation, physicochemical variation, residue mobility, and thermodynamic stability) performed at Invitae indicates that this missense variant is expected to disrupt NF1 protein function with a positive predictive value of 95%. In summary, the available evidence is currently insufficient to determine the role of this variant in disease. Therefore, it has been classified as a Variant of Uncertain Significance.

Ambry Genetics
Classification: Uncertain significance for Cardiovascular phenotype; Hereditary cancer-predisposing syndrome. Last evaluated: 2021-11-30. Review status: criteria provided, single submitter. Criteria: Ambry Variant Classification Scheme 2023. Collection method: clinical testing. Allele origin: germline.
Comment: The p.A2716T variant (also known as c.8146G>A), located in coding exon 56 of the NF1 gene, results from a G to A substitution at nucleotide position 8146. The alanine at codon 2716 is replaced by threonine, an amino acid with similar properties. This amino acid position is highly conserved in available vertebrate species. In addition, the in silico prediction for this alteration is inconclusive. Since supporting evidence is limited at this time, the clinical significance of this alteration remains unclear.